The following is an entry in ClinVar:

NC_000019.9:g.(?_1206903)_(1226656_?)dup

Genes: STK11 (serine/threonine kinase 11; plus strand), LOC110006317 (serine/threonine kinase 11 intron 1 Alu-mediated recombination region; plus strand), LOC110006318 (serine/threonine kinase 11 intron 3 Alu-mediated recombination region; plus strand), LOC121627843 (Sharpr-MPRA regulatory region 9448; plus strand), LOC125371447 (Sharpr-MPRA regulatory region 13808; plus strand) and 4 more. Cytogenetic location: 19p13.3.
Variant type: Duplication.
Identifiers: ClinVar variation 660135 (VCV000660135.1).

ClinVar aggregate classification (germline): Uncertain significance (1 of 4 stars; one submission).

Conditions:
Peutz-Jeghers syndrome (PJS). Also called: POLYPOSIS, HAMARTOMATOUS INTESTINAL; POLYPS-AND-SPOTS SYNDROME; Peutz-Jeghers polyposis; Periorificial lentiginosis syndrome. Identifiers: Orphanet 2869, MedGen C0031269, MeSH D010580, MONDO:0008280, OMIM 175200.

Submission:

Labcorp Genetics (formerly Invitae), Labcorp
Classification: Uncertain significance for Peutz-Jeghers syndrome. Last evaluated: 2018-11-29. Review status: criteria provided, single submitter. Criteria: Invitae Variant Classification Sherloc (09022015). Collection method: clinical testing. Allele origin: germline.
Comment: This variant results in a copy number gain of the genomic region encompassing the full coding sequence of the STK11 gene. The boundaries of this event are unknown as they extend beyond the assayed region for this gene and therefore may encompass additional genes. As the precise location of this event is unknown, it may be in tandem or it may be located elsewhere in the genome. This variant has not been reported in the literature in individuals with STK11-related disease. Experimental studies and prediction algorithms are not available for this variant, and the functional significance of the duplicated amino acids is currently unknown. In summary, the available evidence is currently insufficient to determine the role of this variant in disease. Therefore, it has been classified as a Variant of Uncertain Significance.